The following is an entry in ClinVar:

ClinVar aggregate classification (germline): Conflicting classifications of pathogenicity. Review status: criteria provided, conflicting classifications (1 of 4 stars). 2 submissions from 2 submitters: Likely pathogenic (1); Uncertain significance (1). Last evaluated 2024-07-18.

Conditions:
Weill-Marchesani syndrome 3 (WMS3). Also called: LTBP2-Related Weill-Marchesani Syndrome; Weill-Marchesani syndrome 3, recessive. Identifiers: Orphanet 3449, MedGen C3553785, MONDO:0013899, OMIM 614819.

Submissions (2):

3billion
Classification: Uncertain significance for Weill-Marchesani syndrome 3. Last evaluated: 2024-07-18. Review status: criteria provided, single submitter. Criteria: ACMG Guidelines, 2015. Collection method: clinical testing. Allele origin: germline. Affected: yes.
Comment: The variant is not observed in the gnomAD v4.0.0 dataset. Predicted Consequence/Location: Intron variant In silico tools predict the variant to alter splicing and produce an abnormal transcript [SpliceAI: 0.58 (>=0.2, moderate evidence for spliceogenicity)]. The variant has been reported to be associated with LTBP2 related disorder (ClinVar ID: VCV000191286 /PMID: 27124789). However, the evidence of pathogenicity is insufficient at this time. Therefore, this variant is classified as VUS according to the recommendation of ACMG/AMP guideline.

Genomic Medicine Center of Excellence, King Faisal Specialist Hospital and Research Centre
Classification: Likely pathogenic. Review status: criteria provided, single submitter. Criteria: ACMG Guidelines, 2015. Collection method: research. Allele origin: germline. Affected: yes.

Literature cited by the submitters: PubMed 27124789 (cited by 3billion).

NM_000428.3(LTBP2):c.2428+5G>C

Gene: LTBP2 (latent transforming growth factor beta binding protein 2; minus strand). Cytogenetic location: 14q24.3.
Variant type: single nucleotide variant.
Coding change: c.2428+5G>C on transcript NM_000428.3 (MANE Select); 5 bases into the intron after coding-DNA position 2428, G replaced by C.
Molecular consequence: intron variant.
Genome position (GRCh38, 1-based): chr14:74,526,070, C>G on the plus strand (G>C on the coding strand, the complement: LTBP2 is on the minus strand). VCF-style: chr14-74526070-C-G. GRCh37 (hg19) VCF-style: chr14-74992773-C-G.
Identifiers: ClinVar variation 191286 (VCV000191286.2), dbSNP rs786205624, ClinGen allele CA236401.